The following is an entry in ClinVar:

ClinVar aggregate classification (germline): Uncertain significance. Review status: criteria provided, multiple submitters, no conflicts (2 of 4 stars). 4 submissions from 4 submitters: Uncertain significance (3). 1 of the submissions does not count toward it. Last evaluated 2025-08-29.

Conditions:
TTC8-related disorder. Also called: TTC8-related condition.
Inborn genetic diseases. Identifiers: MedGen C0950123, MeSH D030342.
Bardet-Biedl syndrome 8 (BBS8). Identifiers: Orphanet 110, MedGen C1859566, MONDO:0014436, OMIM 615985.
Retinitis pigmentosa 51 (RP51). Identifiers: Orphanet 791, MedGen C3150715, MONDO:0013274, OMIM 613464.
Bardet-Biedl syndrome (BBS). Identifiers: Orphanet 110, MedGen C0752166, MONDO:0015229.

Allele frequency attached by ClinVar (database versions not stated): gnomAD 0.00007; TOPMed 0.00008; ESP Exome Variant Server 0.00015.
gnomAD v4.1: 12 of 1,614,000 alleles (0.00074%); highest among the groups gnomAD compares: African/African-American, 0.016%; no homozygotes.

Submissions (4):

Ambry Genetics
Classification: Uncertain significance for Inborn genetic diseases. Last evaluated: 2025-08-29. Review status: criteria provided, single submitter. Criteria: Ambry Variant Classification Scheme 2023. Collection method: clinical testing. Allele origin: germline.

Fulgent Genetics
Classification: Uncertain significance for Retinitis pigmentosa 51; Bardet-Biedl syndrome 8. Last evaluated: 2024-01-06. Review status: criteria provided, single submitter. Criteria: ACMG Guidelines, 2015. Collection method: clinical testing. Allele origin: germline.

Labcorp Genetics (formerly Invitae), Labcorp
Classification: Uncertain significance for Bardet-Biedl syndrome. Last evaluated: 2021-12-21. Review status: criteria provided, single submitter. Criteria: Invitae Variant Classification Sherloc (09022015). Collection method: clinical testing. Allele origin: germline.
Comment: This sequence change replaces glycine, which is neutral and non-polar, with valine, which is neutral and non-polar, at codon 93 of the TTC8 protein (p.Gly93Val). This variant is present in population databases (rs140710339, gnomAD 0.02%). This variant has not been reported in the literature in individuals affected with TTC8-related conditions. Algorithms developed to predict the effect of missense changes on protein structure and function are either unavailable or do not agree on the potential impact of this missense change (SIFT: "Tolerated"; PolyPhen-2: "Possibly Damaging"; Align-GVGD: "Class C0"). Algorithms developed to predict the effect of sequence changes on RNA splicing suggest that this variant may create or strengthen a splice site. In summary, the available evidence is currently insufficient to determine the role of this variant in disease. Therefore, it has been classified as a Variant of Uncertain Significance.

PreventionGenetics, part of Exact Sciences
Classification: Uncertain significance for TTC8-related condition. Last evaluated: 2024-08-13. Review status: no assertion criteria provided. Collection method: clinical testing. Allele origin: germline. Not counted in ClinVar's aggregate classification.
Comment: The TTC8 c.308G>T variant is predicted to result in the amino acid substitution p.Gly103Val. To our knowledge, this variant has not been reported in the literature. This variant is reported in 0.025% of alleles in individuals of African descent in gnomAD. At this time, the clinical significance of this variant is uncertain due to the absence of conclusive functional and genetic evidence.

NM_144596.4(TTC8):c.308G>T (p.Gly103Val)

Gene: TTC8 (tetratricopeptide repeat domain 8; plus strand). Cytogenetic location: 14q31.3.
Variant type: single nucleotide variant.
Coding change: c.308G>T on transcript NM_144596.4 (MANE Select); coding-DNA position 308, G replaced by T.
Protein change: p.Gly103Val; replaces glycine 103 with valine.
Molecular consequence: missense variant. On other transcripts: 5 prime UTR variant (2), non-coding transcript variant (1).
Genome position (GRCh38, 1-based): chr14:88,840,907, G>T. VCF-style: chr14-88840907-G-T. GRCh37 (hg19) VCF-style: chr14-89307251-G-T.
Other names: c.278G>T, p.Gly93Val (NM_001288781.1, NM_001366535.2, NM_001366536.2 and 2 more transcripts); c.-285G>T (NM_001288782.1); c.-380G>T (NM_001288783.1); c.278G>T (NM_198309.2); c.308G>T (NM_144596.3); short protein forms G103V, G93V.
Identifiers: ClinVar variation 1436521 (VCV001436521.9), dbSNP rs140710339, ClinGen allele CA7302422.
Genomic context (GRCh38, chr14:88,840,907, plus strand): 5'-AGCCATCTTGTCTCCTAGGCCCTGGAACGTCTTTGAAACTCCCTGGAACTAATCAGACAG[G>T]AGGGCCTAGCCAGGCCGTTAGGTATGTACTTCTGCTTCATAACCTCTGCCACTAAATATT-3'
Protein context (NP_653197.2, residues 93-113): SLKLPGTNQT[Gly103Val]GPSQAVRPIT